The following is an entry in ClinVar:

ClinVar aggregate classification (germline): Benign (1 of 4 stars; one submission).

Conditions:
Familial cancer of breast. Also called: BREAST CANCER, FAMILIAL; Hereditary breast cancer; hereditary breast carcinoma. Identifiers: Orphanet 227535, MedGen C0346153, MONDO:0016419, OMIM 114480. Disease mechanism: loss of function.

Submission:

Myriad Genetics, Inc.
Classification: Benign for Familial cancer of breast. Last evaluated: 2024-05-10. Review status: criteria provided, single submitter. Criteria: Myriad Autosomal Dominant, Autosomal Recessive and X-Linked Classification Criteria (2023). Collection method: clinical testing. Allele origin: unknown.
Comment: This variant is considered benign. This variant is a silent/synonymous amino acid change and it is not expected to impact splicing.

NM_000051.4(ATM):c.2760A>G (p.Ala920=)

Gene: ATM (ATM serine/threonine kinase; plus strand). Cytogenetic location: 11q22.3.
Variant type: single nucleotide variant.
Coding change: c.2760A>G on transcript NM_000051.4 (MANE Select); coding-DNA position 2760, A replaced by G.
Protein change: p.Ala920=; no amino-acid change (alanine 920 retained).
Molecular consequence: synonymous variant.
Genome position (GRCh38, 1-based): chr11:108,268,531, A>G. VCF-style: chr11-108268531-A-G. GRCh37 (hg19) VCF-style: chr11-108139258-A-G.
Other names: c.2760A>G, p.Ala920= (NM_001351834.2).
Identifiers: ClinVar variation 3253856 (VCV003253856.1), dbSNP rs2135525653.